The following is an entry in ClinVar:

NM_007214.5(SEC63):c.1865G>A (p.Arg622Gln)

Gene: SEC63 (SEC63 homolog, protein translocation regulator; minus strand). Cytogenetic location: 6q21.
Variant type: single nucleotide variant.
Coding change: c.1865G>A on transcript NM_007214.5 (MANE Select); coding-DNA position 1865, G replaced by A.
Protein change: p.Arg622Gln; replaces arginine 622 with glutamine.
Molecular consequence: missense variant.
Genome position (GRCh38, 1-based): chr6:107,881,219, C>T on the plus strand (G>A on the coding strand, the complement: SEC63 is on the minus strand). VCF-style: chr6-107881219-C-T. GRCh37 (hg19) VCF-style: chr6-108202423-C-T.
Other names: p.Arg622Gln; short protein forms R622Q.
Identifiers: ClinVar variation 3379706 (VCV003379706.1).

ClinVar aggregate classification (germline): Uncertain significance (1 of 4 stars; one submission).

gnomAD v4.1: 4 of 1,612,706 alleles (0.00025%); highest among the groups gnomAD compares: Non-Finnish European, 0.00034%; no homozygotes.

Submission:

Mayo Clinic Laboratories, Mayo Clinic
Classification: Uncertain significance. Last evaluated: 2023-08-17. Review status: criteria provided, single submitter. Criteria: ACMG Guidelines, 2015. Collection method: clinical testing. Allele origin: germline. Observed: 1 variant allele.
Comment: BP4